The following is an entry in ClinVar:

NM_021020.5(LZTS1):c.527G>A (p.Arg176Gln)

Gene: LZTS1 (leucine zipper tumor suppressor 1; minus strand). Cytogenetic location: 8p21.3.
Variant type: single nucleotide variant.
Coding change: c.527G>A on transcript NM_021020.5 (MANE Select); coding-DNA position 527, G replaced by A.
Protein change: p.Arg176Gln; replaces arginine 176 with glutamine.
Molecular consequence: missense variant.
Genome position (GRCh38, 1-based): chr8:20,253,404, C>T on the plus strand (G>A on the coding strand, the complement: LZTS1 is on the minus strand). VCF-style: chr8-20253404-C-T. GRCh37 (hg19) VCF-style: chr8-20110915-C-T.
Other names: c.527G>A (NM_021020.3); c.527G>A, p.Arg176Gln (NM_001362884.2); short protein forms R176Q.
Identifiers: ClinVar variation 1534362 (VCV001534362.9), dbSNP rs144922809, ClinGen allele CA4657500.

ClinVar aggregate classification (germline): Likely benign. Review status: criteria provided, single submitter (1 of 4 stars). 2 submissions from 2 submitters: Likely benign (1). 1 of the submissions does not count toward it. Last evaluated 2026-01-15.

Conditions:
LZTS1-related disorder. Also called: LZTS1-related condition.

Allele frequency attached by ClinVar (database versions not stated): gnomAD exomes 0.00037 and 0.00042; ExAC 0.00041; gnomAD 0.00049 and 0.00050; TOPMed 0.00049; 1000 Genomes Project 30x 0.00062; ESP Exome Variant Server 0.00077; 1000 Genomes Project 0.00080.
gnomAD v4.1: 698 of 1,611,894 alleles (0.043%); highest among the groups gnomAD compares: African/African-American, 0.056%; 1 homozygote.

Submissions (2):

Labcorp Genetics (formerly Invitae), Labcorp
Classification: Likely benign. Last evaluated: 2026-01-15. Review status: criteria provided, single submitter. Criteria: Invitae Variant Classification Sherloc (09022015). Collection method: clinical testing. Allele origin: germline.

PreventionGenetics, part of Exact Sciences
Classification: Uncertain significance for LZTS1-related condition. Last evaluated: 2024-09-04. Review status: no assertion criteria provided. Collection method: clinical testing. Allele origin: germline. Not counted in ClinVar's aggregate classification.
Comment: The LZTS1 c.527G>A variant is predicted to result in the amino acid substitution p.Arg176Gln. To our knowledge, this variant has not been reported in the literature. This variant is reported in 0.064% of alleles in individuals of European (Non-Finnish) descent in gnomAD. Although we suspect that this variant may be benign, at this time, the clinical significance of this variant is uncertain due to the absence of conclusive functional and genetic evidence.